The following is an entry in ClinVar:

NM_032242.4(PLXNA1):c.2637C>T (p.Gly879=)

Gene: PLXNA1 (plexin A1; plus strand). Cytogenetic location: 3q21.3.
Variant type: single nucleotide variant.
Coding change: c.2637C>T on transcript NM_032242.4 (MANE Select); coding-DNA position 2637, C replaced by T.
Protein change: p.Gly879=; no amino-acid change (glycine 879 retained).
Molecular consequence: synonymous variant.
Genome position (GRCh38, 1-based): chr3:127,014,510, C>T. VCF-style: chr3-127014510-C-T. GRCh37 (hg19) VCF-style: chr3-126733353-C-T.
Identifiers: ClinVar variation 3351954 (VCV003351954.1).

ClinVar aggregate classification (germline): Likely benign (0 of 4 stars; one submission).

Conditions:
PLXNA1-related disorder. Also called: PLXNA1-related condition.

gnomAD v4.1: 3 of 1,606,796 alleles (0.00019%); highest among the groups gnomAD compares: African/African-American, 0.004%; no homozygotes.

Submission:

PreventionGenetics, part of Exact Sciences
Classification: Likely benign for PLXNA1-related condition. Last evaluated: 2023-06-23. Review status: no assertion criteria provided. Collection method: clinical testing. Allele origin: germline.
Comment: This variant is classified as likely benign based on ACMG/AMP sequence variant interpretation guidelines (Richards et al. 2015 PMID: 25741868, with internal and published modifications).